The following is an entry in ClinVar:

NM_005592.4(MUSK):c.2165T>C (p.Val722Ala)

Gene: MUSK (muscle associated receptor tyrosine kinase; plus strand). Cytogenetic location: 9q31.3.
Variant type: single nucleotide variant.
Coding change: c.2165T>C on transcript NM_005592.4 (MANE Select); coding-DNA position 2165, T replaced by C.
Protein change: p.Val722Ala; replaces valine 722 with alanine.
Molecular consequence: missense variant.
Genome position (GRCh38, 1-based): chr9:110,800,543, T>C. VCF-style: chr9-110800543-T-C. GRCh37 (hg19) VCF-style: chr9-113562823-T-C.
Other names: c.1907T>C, p.Val636Ala (NM_001166280.2); c.1877T>C, p.Val626Ala (NM_001166281.2); c.905T>C, p.Val302Ala (NM_001369398.1); short protein forms V302A, V626A, V722A, V636A.
Identifiers: ClinVar variation 858181 (VCV000858181.8), dbSNP rs1238400476, ClinGen allele CA374478388.

ClinVar aggregate classification (germline): Pathogenic (1 of 4 stars; one submission).

Conditions:
Fetal akinesia deformation sequence 1 (FADS1). Also called: Fetal akinesia sequence; Pena-Shokeir syndrome type I. Identifiers: Orphanet 994, MedGen C1276035, MONDO:0100101, OMIM 208150, HP:0001989.
Congenital myasthenic syndrome 9. Also called: Myasthenic syndrome, congenital, 9, associated with acetylcholine receptor deficiency. Identifiers: Orphanet 590, MedGen C4225368, MONDO:0014587, OMIM 616325.

Allele frequency attached by ClinVar (database versions not stated): gnomAD exomes below 0.00001; gnomAD 0.00001.
gnomAD v4.1: 2 of 1,613,680 alleles (0.00012%); highest among the groups gnomAD compares: Non-Finnish European, 0.00017%; no homozygotes.

Submission:

Labcorp Genetics (formerly Invitae), Labcorp
Classification: Pathogenic for Congenital myasthenic syndrome 9; Fetal akinesia deformation sequence 1. Last evaluated: 2023-06-13. Review status: criteria provided, single submitter. Criteria: Invitae Variant Classification Sherloc (09022015). Collection method: clinical testing. Allele origin: germline.
Comment: For these reasons, this variant has been classified as Pathogenic. Advanced modeling of protein sequence and biophysical properties (such as structural, functional, and spatial information, amino acid conservation, physicochemical variation, residue mobility, and thermodynamic stability) performed at Invitae indicates that this missense variant is expected to disrupt MUSK protein function. ClinVar contains an entry for this variant (Variation ID: 858181). This missense change has been observed in individual(s) with congenital myasthenic syndrome (PMID: 31920924; Invitae). In at least one individual the data is consistent with being in trans (on the opposite chromosome) from a pathogenic variant. This variant is present in population databases (no rsID available, gnomAD 0.007%). This sequence change replaces valine, which is neutral and non-polar, with alanine, which is neutral and non-polar, at codon 722 of the MUSK protein (p.Val722Ala).

Literature cited by the submitters: PubMed 31920924.